The following is an entry in ClinVar:

ClinVar aggregate classification (germline): Uncertain significance. Review status: criteria provided, multiple submitters, no conflicts (2 of 4 stars). 2 submissions from 2 submitters: Uncertain significance (2). Last evaluated 2022-07-12.

Allele frequency attached by ClinVar (database versions not stated): gnomAD exomes below 0.00001.
gnomAD v4.1: 3 of 1,613,752 alleles (0.00019%); highest among the groups gnomAD compares: Non-Finnish European, 0.00017%; no homozygotes.

Submissions (2):

Labcorp Genetics (formerly Invitae), Labcorp
Classification: Uncertain significance. Last evaluated: 2022-07-12. Review status: criteria provided, single submitter. Criteria: Invitae Variant Classification Sherloc (09022015). Collection method: clinical testing. Allele origin: germline.
Comment: ClinVar contains an entry for this variant (Variation ID: 583166). This variant has not been reported in the literature in individuals affected with POLE-related conditions. This variant is not present in population databases (gnomAD no frequency). This sequence change falls in intron 11 of the POLE gene. It does not directly change the encoded amino acid sequence of the POLE protein. In summary, the available evidence is currently insufficient to determine the role of this variant in disease. Therefore, it has been classified as a Variant of Uncertain Significance. Algorithms developed to predict the effect of sequence changes on RNA splicing suggest that this variant may disrupt the consensus splice site.

Quest Diagnostics Nichols Institute San Juan Capistrano
Classification: Uncertain significance. Last evaluated: 2018-12-11. Review status: criteria provided, single submitter. Criteria: Quest Diagnostics criteria. Collection method: clinical testing. Allele origin: germline.

NM_006231.4(POLE):c.1107-6A>G

Gene: POLE (DNA polymerase epsilon, catalytic subunit; minus strand). Cytogenetic location: 12q24.33.
Variant type: single nucleotide variant.
Coding change: c.1107-6A>G on transcript NM_006231.4 (MANE Select); 6 bases into the intron before coding-DNA position 1107, A replaced by G.
Molecular consequence: intron variant.
Genome position (GRCh38, 1-based): chr12:132,675,523, T>C on the plus strand (A>G on the coding strand, the complement: POLE is on the minus strand). VCF-style: chr12-132675523-T-C. GRCh37 (hg19) VCF-style: chr12-133252109-T-C.
Identifiers: ClinVar variation 583166 (VCV000583166.11), dbSNP rs1565975340, ClinGen allele CA891844348.